The following is an entry in ClinVar:

NM_020779.4(WDR35):c.136C>T (p.Gln46Ter)

Gene: WDR35 (WD repeat domain 35; minus strand). Cytogenetic location: 2p24.1.
Variant type: single nucleotide variant.
Coding change: c.136C>T on transcript NM_020779.4 (MANE Select); coding-DNA position 136, C replaced by T.
Protein change: p.Gln46Ter; replaces glutamine 46 with a stop codon.
Molecular consequence: nonsense.
Genome position (GRCh38, 1-based): chr2:19,989,171, G>A on the plus strand (C>T on the coding strand, the complement: WDR35 is on the minus strand). VCF-style: chr2-19989171-G-A. GRCh37 (hg19) VCF-style: chr2-20188932-G-A.
Other names: c.136C>T, p.Gln46Ter (NM_001006657.2); short protein forms Q46*.
Identifiers: ClinVar variation 1435158 (VCV001435158.7), dbSNP rs767788330, ClinGen allele CA43393246.

ClinVar aggregate classification (germline): Pathogenic/Likely pathogenic. Review status: criteria provided, multiple submitters, no conflicts (2 of 4 stars). 2 submissions from 2 submitters: Pathogenic (1); Likely pathogenic (1). Last evaluated 2024-06-18.

Conditions:
Short-rib thoracic dysplasia 7 with or without polydactyly (SRTD7). Also called: Short rib polydactyly syndrome 5; SHORT-RIB THORACIC DYSPLASIA 7 WITH POLYDACTYLY. Identifiers: Orphanet 498497, Orphanet 93271, MedGen C3279792, MONDO:0013569, OMIM 614091.
Cranioectodermal dysplasia 2 (CED2). Identifiers: Orphanet 1515, MedGen C3150874, MONDO:0013323, OMIM 613610.

Allele frequency attached by ClinVar (database versions not stated): gnomAD 0.00002; TOPMed 0.00002.
gnomAD v4.1: 19 of 1,613,880 alleles (0.0012%); highest among the groups gnomAD compares: Non-Finnish European, 0.0015%; no homozygotes.

Submissions (2):

Fulgent Genetics
Classification: Likely pathogenic for Cranioectodermal dysplasia 2; Short-rib thoracic dysplasia 7 with or without polydactyly. Last evaluated: 2024-06-18. Review status: criteria provided, single submitter. Criteria: ACMG Guidelines, 2015. Collection method: clinical testing. Allele origin: germline.

Labcorp Genetics (formerly Invitae), Labcorp
Classification: Pathogenic for Cranioectodermal dysplasia 2; Short-rib thoracic dysplasia 7 with or without polydactyly. Last evaluated: 2021-10-03. Review status: criteria provided, single submitter. Criteria: Invitae Variant Classification Sherloc (09022015). Collection method: clinical testing. Allele origin: germline.
Comment: This variant has not been reported in the literature in individuals affected with WDR35-related conditions. This sequence change creates a premature translational stop signal (p.Gln46*) in the WDR35 gene. It is expected to result in an absent or disrupted protein product. Loss-of-function variants in WDR35 are known to be pathogenic (PMID: 22486404, 29068549). This variant is not present in population databases (ExAC no frequency). For these reasons, this variant has been classified as Pathogenic.

Literature cited by the submitters: PubMed 22486404 (cited by Labcorp Genetics (formerly Invitae), Labcorp); PubMed 29068549 (cited by Labcorp Genetics (formerly Invitae), Labcorp).